The following is an entry in ClinVar:

NM_000264.5(PTCH1):c.520G>A (p.Ala174Thr)

Gene: PTCH1 (patched 1; minus strand). Cytogenetic location: 9q22.32.
Variant type: single nucleotide variant.
Coding change: c.520G>A on transcript NM_000264.5 (MANE Select); coding-DNA position 520, G replaced by A.
Protein change: p.Ala174Thr; replaces alanine 174 with threonine.
Molecular consequence: missense variant. On other transcripts: non-coding transcript variant (1).
Genome position (GRCh38, 1-based): chr9:95,485,749, C>T on the plus strand (G>A on the coding strand, the complement: PTCH1 is on the minus strand). VCF-style: chr9-95485749-C-T. GRCh37 (hg19) VCF-style: chr9-98248031-C-T.
Other names: c.322G>A, p.Ala108Thr (NM_001083602.3, NM_001354919.2); c.517G>A, p.Ala173Thr (NM_001083603.3); c.67G>A, p.Ala23Thr (NM_001083604.3, NM_001083605.3, NM_001083606.3 and 1 more transcripts); c.520G>A, p.Ala174Thr (NM_001354918.2); c.520G>A (NM_000264.3); short protein forms A108T, A174T, A173T, A23T.
Identifiers: ClinVar variation 135108 (VCV000135108.2), dbSNP rs587778633, ClinGen allele CA161754.

ClinVar aggregate classification (germline): Uncertain significance. Review status: criteria provided, single submitter (1 of 4 stars). 2 submissions from 2 submitters: Uncertain significance (1). 1 of the submissions does not count toward it. Last evaluated 2024-06-04.

Conditions:
Hereditary cancer-predisposing syndrome. Also called: Tumor predisposition; Hereditary neoplastic syndrome; Neoplastic Syndromes, Hereditary; Hereditary Cancer Syndrome. Identifiers: Orphanet 140162, MedGen C0027672, MeSH D009386, MONDO:0015356.

Submissions (2):

Ambry Genetics
Classification: Uncertain significance for Hereditary cancer-predisposing syndrome. Last evaluated: 2024-06-04. Review status: criteria provided, single submitter. Criteria: Ambry Variant Classification Scheme 2023. Collection method: clinical testing. Allele origin: germline.
Comment: The p.A174T variant (also known as c.520G>A), located in coding exon 3 of the PTCH1 gene, results from a G to A substitution at nucleotide position 520. The alanine at codon 174 is replaced by threonine, an amino acid with similar properties. This amino acid position is highly conserved in available vertebrate species. In addition, this alteration is predicted to be deleterious by in silico analysis. Based on the available evidence, the clinical significance of this variant remains unclear.

ITMI
No classification provided. Condition: AllHighlyPenetrant. Last evaluated: 2013-09-19. Review status: no classification provided. Collection method: reference population. Allele origin: germline. Not counted in ClinVar's aggregate classification.
Comment: Please see associated publication for description of ethnicities

Literature cited by the submitters: PubMed 24728327 (cited by ITMI).